The following is an entry in ClinVar:

ClinVar aggregate classification (germline): Conflicting classifications of pathogenicity. Review status: criteria provided, conflicting classifications (1 of 4 stars). 13 submissions from 13 submitters: Likely pathogenic (4); Uncertain significance (8). 1 of the submissions does not count toward it. Last evaluated 2025-10-31.

Conditions:
Cardiovascular phenotype. Identifiers: MedGen CN230736.
Cardiomyopathy (CMYO). Also called: Cardiomyopathies. Identifiers: Orphanet 167848, MedGen C0878544, MONDO:0004994, HP:0001638. Inheritance: Various modes of inheritance.
Hypertrophic cardiomyopathy 7. Also called: TNNI3-Related Familial Hypertrophic Cardiomyopathy; Familial hypertrophic cardiomyopathy 7; CARDIOMYOPATHY, FAMILIAL HYPERTROPHIC, 7, MODIFIER OF. Identifiers: MedGen C1860752, MONDO:0013369, OMIM 613690.
Dilated cardiomyopathy 2A (CMD2A). Also called: CARDIOMYOPATHY, CONGESTIVE, AUTOSOMAL RECESSIVE; CARDIOMYOPATHY, DILATED, AUTOSOMAL RECESSIVE. Identifiers: Orphanet 154, MedGen C2678474, MONDO:0012746, OMIM 611880.
Hypertrophic cardiomyopathy. Also called: HYPERTROPHIC MYOCARDIOPATHY. Identifiers: Orphanet 217569, MedGen C0007194, MeSH D002312, MONDO:0005045, HP:0001639.

Allele frequency attached by ClinVar (database versions not stated): gnomAD 0.00001 and below 0.00001; ExAC 0.00003; gnomAD exomes 0.00003.
gnomAD v4.1: 31 of 1,613,878 alleles (0.0019%); highest among the groups gnomAD compares: South Asian, 0.024%; no homozygotes.

Submissions 1 to 8 of 13:

3billion
Classification: Likely pathogenic for Dilated cardiomyopathy 2A. Last evaluated: 2025-10-31. Review status: criteria provided, single submitter. Criteria: ACMG Guidelines, 2015. Collection method: clinical testing. Allele origin: germline. Affected: yes.
Comment: The variant is observed at an extremely low frequency in the gnomAD v4.1.0 dataset (total allele frequency: 0.002%). Predicted Consequence/Location: Missense variant In silico tool predictions suggest damaging effect of the variant on gene or gene product [REVEL: 0.61 (>=0.6, sensitivity 0.68 and specificity 0.92)]. The same nucleotide change resulting in the same amino acid change has been previously reported as pathogenic/likely pathogenic with strong evidence (ClinVar ID: VCV000043397 /PMID: 15070570). Therefore, this variant is classified as Likely pathogenic according to the recommendation of ACMG/AMP guideline.

GeneDx
Classification: Uncertain significance. Last evaluated: 2025-09-11. Review status: criteria provided, single submitter. Criteria: GeneDx Variant Classification Process June 2021. Collection method: clinical testing. Allele origin: germline. Affected: yes.
Comment: In silico analysis suggests that this missense variant does not alter protein structure/function; This variant is associated with the following publications: (PMID: 19590045, 31568572, 15070570, 31534214, 32870709, 32746448, 36252119, 22940544)

Ambry Genetics
Classification: Uncertain significance for Cardiovascular phenotype. Last evaluated: 2024-12-04. Review status: criteria provided, single submitter. Criteria: Ambry Variant Classification Scheme 2023. Collection method: clinical testing. Allele origin: germline.
Comment: The p.A2V variant (also known as c.5C>T), located in coding exon 1 of the TNNI3 gene, results from a C to T substitution at nucleotide position 5. The alanine at codon 2 is replaced by valine, an amino acid with similar properties. This variant has been identified in the homozygous state and/or in conjunction with other TNNI3 variant(s) in individual(s) with features consistent withTNNI3-related dilated cardiomyopathy; however, heterozygotes have been reported as unaffected (Murphy RT et al. Lancet, 2004 Jan;363:371-2; Al-Hassnan ZN et al. Circ Genom Precis Med, 2020 Oct;13:504-514; Bagnall RD et al. Circ Genom Precis Med, 2022 Dec;15:e003686). Functional studies suggest this variant may impact protein function; however, additional evidence is needed to confirm these findings (Murphy RT et al. Lancet, 2004 Jan;363:371-2; Carballo S et al. Circ Res, 2009 Aug;105:375-82; Henze M et al. Biochim Biophys Acta. 2013 Apr;1833(4):823-32). This amino acid position is well conserved in available vertebrate species. In addition, this alteration is predicted to be deleterious by in silico analysis. Based on data from gnomAD, the frequency for this variant is above the maximum credible frequency for an autosomal dominant disease-causing variant in this gene based on internally established thresholds (Karczewski et al. Nature. 2020 May;581(7809):434-443; Whiffin et al. Genet Med. 2017 10;19:1151-1158). Based on the available evidence, the clinical significance of this variant remains unclear.

Genomic Medicine Center of Excellence, King Faisal Specialist Hospital and Research Centre
Classification: Uncertain significance for Hypertrophic cardiomyopathy 7. Last evaluated: 2024-09-22. Review status: criteria provided, single submitter. Criteria: ACMG Guidelines, 2015. Collection method: clinical testing. Allele origin: germline.

Labcorp Genetics (formerly Invitae), Labcorp
Classification: Likely pathogenic for Hypertrophic cardiomyopathy. Last evaluated: 2024-07-19. Review status: criteria provided, single submitter. Criteria: Invitae Variant Classification Sherloc (09022015). Collection method: clinical testing. Allele origin: germline.
Comment: This sequence change replaces alanine, which is neutral and non-polar, with valine, which is neutral and non-polar, at codon 2 of the TNNI3 protein (p.Ala2Val). This variant is present in population databases (rs397516359, gnomAD 0.03%). This missense change has been observed in individuals with autosomal recessive dilated cardiomyopathy (PMID: 32870709; Invitae). ClinVar contains an entry for this variant (Variation ID: 43397). An algorithm developed to predict the effect of missense changes on protein structure and function (PolyPhen-2) suggests that this variant is likely to be disruptive. Experimental studies have shown that this missense change affects TNNI3 function (PMID: 15070570, 22940544). In summary, the currently available evidence indicates that the variant is pathogenic, but additional data are needed to prove that conclusively. Therefore, this variant has been classified as Likely Pathogenic.

All of Us Research Program, National Institutes of Health
Classification: Uncertain significance for Hypertrophic cardiomyopathy. Last evaluated: 2024-07-10. Review status: criteria provided, single submitter. Criteria: ACMG Guidelines, 2015. Collection method: clinical testing. Allele origin: germline. Inheritance: Autosomal dominant inheritance. Observed: 3 variant alleles, 3 heterozygotes.
Comment: This missense variant replaces alanine with valine at codon 2 of the TNNI3 protein. Computational prediction is inconclusive regarding the impact of this variant on protein structure and function (internally defined REVEL score threshold 0.5 < inconclusive < 0.7, PMID: 27666373). Functional studies have shown that this variant disrupts the interaction between troponin I and troponin T (PMID: 15070570), and affects myofilament function (PMID: 22940544). This variant has been reported in homozygous state in two siblings affected with dilated cardiomyopathy (PMID: 15070570); their parents and another sibling were all healthy heterozygous carriers. This variant has also been reported in homozygous state in an individual affected with childhood-onset dilated cardiomyopathy (PMID: 32870709) and in unspecified zygosity in another individual affected with childhood-onset dilated cardiomyopathy (PMID: 32746448). This variant has also been identified in 8/248866 chromosomes in the general population by the Genome Aggregation Database (gnomAD). The available evidence is insufficient to determine the role of this variant in disease conclusively. Therefore, this variant is classified as a Variant of Uncertain Significance.

This study involves interpretation of variants in research participants for the purpose of population health screening. Participant phenotype was not available at the time of variant classification. Additional details can be found in publication PMID: 35346344, PMCID: PMC8962531

Color Diagnostics, LLC DBA Color Health
Classification: Uncertain significance for Cardiomyopathy. Last evaluated: 2024-06-09. Review status: criteria provided, single submitter. Criteria: ACMG Guidelines, 2015. Collection method: clinical testing. Allele origin: germline.
Comment: This missense variant replaces alanine with valine at codon 2 of the TNNI3 protein. Computational prediction tools indicate that this variant's impact on protein structure and function is inconclusive. Functional studies have shown that this variant disrupts the interaction between troponin I and troponin T (PMID: 15070570), and affects myofilament function (PMID: 22940544). This variant has been reported in homozygous state in two siblings affected with dilated cardiomyopathy (PMID: 15070570); their parents and another sibling were all healthy heterozygous carriers. This variant has also been reported in homozygous state in an individual affected with childhood-onset dilated cardiomyopathy (PMID: 32870709) and in unspecified zygosity in another individual affected with childhood-onset dilated cardiomyopathy (PMID: 32746448). This variant has also been identified in 8/248866 chromosomes in the general population by the Genome Aggregation Database (gnomAD). The available evidence is insufficient to determine the role of this variant in disease conclusively. Therefore, this variant is classified as a Variant of Uncertain Significance.

Neuberg Centre For Genomic Medicine, NCGM
Classification: Likely pathogenic for Hypertrophic cardiomyopathy 7. Last evaluated: 2024-02-01. Review status: criteria provided, single submitter. Criteria: ACMG Guidelines, 2015. Collection method: clinical testing. Allele origin: germline. Inheritance: Autosomal dominant inheritance.
Comment: The observed has been reported previously in homozygous state in individual(s) affected with TNNI3 related disorders (Sorrentino et al., 2023; Murphy et al., 2004). It has also been observed to segregate with disease in related individuals. Functional studies have demonstrated conflicting results regarding the impact on ATPase regulation and troponin function (Murphy et al., 2004).

NM_000363.5(TNNI3):c.5C>T (p.Ala2Val)

Gene: TNNI3 (troponin I3, cardiac type; minus strand). Cytogenetic location: 19q13.42.
Variant type: single nucleotide variant.
Coding change: c.5C>T on transcript NM_000363.5 (MANE Select); coding-DNA position 5, C replaced by T.
Protein change: p.Ala2Val; replaces alanine 2 with valine.
Molecular consequence: missense variant.
Genome position (GRCh38, 1-based): chr19:55,157,585, G>A on the plus strand (C>T on the coding strand, the complement: TNNI3 is on the minus strand). VCF-style: chr19-55157585-G-A. GRCh37 (hg19) VCF-style: chr19-55668953-G-A.
Other names: short protein forms A2V.
Identifiers: ClinVar variation 43397 (VCV000043397.31), dbSNP rs397516359, ClinGen allele CA022031.